The following is an entry in ClinVar:

NM_134444.5(NLRP4):c.1279G>A (p.Ala427Thr)

Gene: NLRP4 (NLR family pyrin domain containing 4; plus strand). Cytogenetic location: 19q13.43.
Variant type: single nucleotide variant.
Coding change: c.1279G>A on transcript NM_134444.5 (MANE Select); coding-DNA position 1279, G replaced by A.
Protein change: p.Ala427Thr; replaces alanine 427 with threonine.
Molecular consequence: missense variant.
Genome position (GRCh38, 1-based): chr19:55,858,672, G>A. VCF-style: chr19-55858672-G-A. GRCh37 (hg19) VCF-style: chr19-56370038-G-A.
Other names: short protein forms A427T.
Identifiers: ClinVar variation 788378 (VCV000788378.28), dbSNP rs111284755, ClinGen allele CA9682584.

ClinVar aggregate classification (germline): Likely benign. Review status: criteria provided, multiple submitters, no conflicts (2 of 4 stars). 3 submissions from 3 submitters: Likely benign (3). Last evaluated 2022-11-01.

Allele frequency attached by ClinVar (database versions not stated): 1000 Genomes Project 0.00220; gnomAD 0.00290; TOPMed 0.00365; gnomAD exomes 0.00376 and 0.00672; ExAC 0.00392; ESP Exome Variant Server 0.00446; 1000 Genomes Project 30x 0.00187.
gnomAD v4.1: 10,273 of 1,614,144 alleles (0.64%); highest among the groups gnomAD compares: Non-Finnish European, 0.78%; 44 homozygotes.

Submissions (3):

CeGaT Center for Human Genetics Tuebingen
Classification: Likely benign. Last evaluated: 2022-11-01. Review status: criteria provided, single submitter. Criteria: CeGaT Center For Human Genetics Tuebingen Variant Classification Criteria Version 2. Collection method: clinical testing. Allele origin: germline. Affected: yes. Observed: 1 variant allele.
Comment: NLRP4: BP4, BS2

Labcorp Genetics (formerly Invitae), Labcorp
Classification: Likely benign. Last evaluated: 2018-03-29. Review status: criteria provided, single submitter. Criteria: Invitae Variant Classification Sherloc (09022015). Collection method: clinical testing. Allele origin: germline.

Breakthrough Genomics
Classification: Likely benign. Review status: criteria provided, single submitter. Criteria: ACMG Guidelines, 2015. Collection method: not provided. Allele origin: germline. Inheritance: Unknown mechanism. Affected: yes.